The following is an entry in ClinVar:

ClinVar aggregate classification (germline): Uncertain significance (1 of 4 stars; one submission).

Conditions:
Familial encephalopathy with neuroserpin inclusion bodies. Also called: ENCEPHALOPATHY, FAMILIAL, WITH COLLINS BODIES. Identifiers: Orphanet 85110, MedGen C1858680, MONDO:0011412, OMIM 604218.

Submission:

Labcorp Genetics (formerly Invitae), Labcorp
Classification: Uncertain significance for Familial encephalopathy with neuroserpin inclusion bodies. Last evaluated: 2019-10-20. Review status: criteria provided, single submitter. Criteria: Invitae Variant Classification Sherloc (09022015). Collection method: clinical testing. Allele origin: germline.
Comment: This variant has not been reported in the literature in individuals with SERPINI1-related conditions. This variant is not present in population databases (ExAC no frequency). This sequence change replaces threonine with asparagine at codon 68 of the SERPINI1 protein (p.Thr68Asn). The threonine residue is highly conserved and there is a small physicochemical difference between threonine and asparagine. Algorithms developed to predict the effect of missense changes on protein structure and function are either unavailable or do not agree on the potential impact of this missense change (SIFT: "Deleterious"; PolyPhen-2: "Probably Damaging"; Align-GVGD: "Class C0"). In summary, the available evidence is currently insufficient to determine the role of this variant in disease. Therefore, it has been classified as a Variant of Uncertain Significance.

NM_001122752.2(SERPINI1):c.203C>A (p.Thr68Asn)

Gene: SERPINI1 (serpin family I member 1; plus strand). Cytogenetic location: 3q26.1.
Variant type: single nucleotide variant.
Coding change: c.203C>A on transcript NM_001122752.2 (MANE Select); coding-DNA position 203, C replaced by A.
Protein change: p.Thr68Asn; replaces threonine 68 with asparagine.
Molecular consequence: missense variant.
Genome position (GRCh38, 1-based): chr3:167,789,331, C>A. VCF-style: chr3-167789331-C-A. GRCh37 (hg19) VCF-style: chr3-167507119-C-A.
Other names: c.203C>A, p.Thr68Asn (NM_005025.5); short protein forms T68N.
Identifiers: ClinVar variation 965786 (VCV000965786.9), dbSNP rs1577418551, ClinGen allele CA355155759.